The following is an entry in ClinVar:

ClinVar aggregate classification (germline): Uncertain significance (1 of 4 stars; one submission).

Conditions:
Inborn genetic diseases. Identifiers: MedGen C0950123, MeSH D030342.

Submission:

Ambry Genetics
Classification: Uncertain significance for Inborn genetic diseases. Last evaluated: 2023-03-14. Review status: criteria provided, single submitter. Criteria: Ambry Variant Classification Scheme 2023. Collection method: clinical testing. Allele origin: germline.
Comment: The c.961G>C (p.D321H) alteration is located in exon 7 (coding exon 5) of the RHOBTB2 gene. This alteration results from a G to C substitution at nucleotide position 961, causing the aspartic acid (D) at amino acid position 321 to be replaced by a histidine (H). This variant was not reported in population-based cohorts in the Genome Aggregation Database (gnomAD). This amino acid position is well conserved in available vertebrate species. This alteration is predicted to be tolerated by in silico analysis. Based on insufficient or conflicting evidence, the clinical significance of this alteration remains unclear.

NM_015178.3(RHOBTB2):c.895G>C (p.Asp299His)

Gene: RHOBTB2 (Rho related BTB domain containing 2; plus strand). Cytogenetic location: 8p21.3.
Variant type: single nucleotide variant.
Coding change: c.895G>C on transcript NM_015178.3 (MANE Select); coding-DNA position 895, G replaced by C.
Protein change: p.Asp299His; replaces aspartic acid 299 with histidine.
Molecular consequence: missense variant.
Genome position (GRCh38, 1-based): chr8:23,007,140, G>C. VCF-style: chr8-23007140-G-C. GRCh37 (hg19) VCF-style: chr8-22864653-G-C.
Other names: c.961G>C, p.Asp321His (NM_001160036.2); c.916G>C, p.Asp306His (NM_001160037.2); c.895G>C, p.Asp299His (NM_001374791.1); short protein forms D321H, D299H, D306H.
Identifiers: ClinVar variation 2496237 (VCV002496237.3), dbSNP rs1810984734, ClinGen allele CA370566424.
Genomic context (GRCh38, chr8:23,007,140, plus strand): 5'-TTTGCCCACAAGATCTACCTCTCCACCTCTTCCTCCAAGTTCTATGACCTGTTCCTCATG[G>C]ACCTGAGTGAGGGGGAGCTGGGGGGCCCCTCGGAGCCAGGGGGCACCCACCCAGAGGACC-3'
Protein context (NP_055993.2, residues 289-309): SSKFYDLFLM[Asp299His]LSEGELGGPS